The following is an entry in ClinVar:

NM_004100.5(EYA4):c.1625G>A (p.Cys542Tyr)

Genes: EYA4 (EYA transcriptional coactivator and phosphatase 4; plus strand), TARID (TCF21 antisense RNA inducing promoter demethylation; minus strand). Cytogenetic location: 6q23.2.
Variant type: single nucleotide variant.
Coding change: c.1625G>A on transcript NM_004100.5 (MANE Select); coding-DNA position 1625, G replaced by A.
Protein change: p.Cys542Tyr; replaces cysteine 542 with tyrosine.
Molecular consequence: missense variant.
Genome position (GRCh38, 1-based): chr6:133,523,064, G>A. VCF-style: chr6-133523064-G-A. GRCh37 (hg19) VCF-style: chr6-133844202-G-A.
Other names: c.1463G>A, p.Cys488Tyr (NM_001301012.2); c.1643G>A, p.Cys548Tyr (NM_001301013.2); c.1556G>A, p.Cys519Tyr (NM_001370458.1, NM_172103.4); c.1481G>A, p.Cys494Tyr (NM_001370459.1); c.1625G>A, p.Cys542Tyr (NM_172105.4); short protein forms C548Y, C488Y, C494Y, C519Y, C542Y.
Identifiers: ClinVar variation 2149696 (VCV002149696.4), dbSNP rs1463575941, ClinGen allele CA365698292.
Genomic context (GRCh38, chr6:133,523,064, plus strand): 5'-AGAAGTTATTTAGTATTAGAAAACAAACATGTATATTTCCTCCCTATTTTAGGAGTAACT[G>A]CATAAATGTCTTGGTAACGACAACTCAACTGATCCCAGCACTTGCGAAGGTTCTACTCTA-3'
Protein context (NP_004091.3, residues 532-552): SLSIISTRSN[Cys542Tyr]INVLVTTTQL

ClinVar aggregate classification (germline): Uncertain significance (1 of 4 stars; one submission).

Conditions:
Dilated cardiomyopathy 1J (CMD1J). Also called: CARDIOMYOPATHY, DILATED, WITH SENSORINEURAL HEARING LOSS, AUTOSOMAL DOMINANT. Identifiers: Orphanet 217622, MedGen C1854368, MONDO:0011541, OMIM 605362.

Allele frequency attached by ClinVar (database versions not stated): gnomAD exomes below 0.00001; TOPMed below 0.00001; gnomAD 0.00001.
gnomAD v4.1: 2 of 1,611,014 alleles (0.00012%); highest among the groups gnomAD compares: Non-Finnish European, 0.00017%; no homozygotes.

Submission:

Labcorp Genetics (formerly Invitae), Labcorp
Classification: Uncertain significance for Dilated cardiomyopathy 1J. Last evaluated: 2026-01-31. Review status: criteria provided, single submitter. Criteria: Invitae Variant Classification Sherloc (09022015). Collection method: clinical testing. Allele origin: germline.
Comment: This sequence change replaces cysteine, which is neutral and slightly polar, with tyrosine, which is neutral and polar, at codon 542 of the EYA4 protein (p.Cys542Tyr). This variant is not present in population databases (gnomAD no frequency). This variant has not been reported in the literature in individuals affected with EYA4-related conditions. ClinVar contains an entry for this variant (Variation ID: 2149696). Invitae Evidence Modeling of protein sequence and biophysical properties (such as structural, functional, and spatial information, amino acid conservation, physicochemical variation, residue mobility, and thermodynamic stability) indicates that this missense variant is not expected to disrupt EYA4 protein function with a negative predictive value of 80%. In summary, the available evidence is currently insufficient to determine the role of this variant in disease. Therefore, it has been classified as a Variant of Uncertain Significance.